The following is an entry in ClinVar:

NM_002340.6(LSS):c.1110-222C>G

Gene: LSS (lanosterol synthase; minus strand). Cytogenetic location: 21q22.3.
Variant type: single nucleotide variant.
Coding change: c.1110-222C>G on transcript NM_002340.6 (MANE Select); 222 bases into the intron before coding-DNA position 1110, C replaced by G.
Molecular consequence: intron variant.
Genome position (GRCh38, 1-based): chr21:46,213,274, G>C on the plus strand (C>G on the coding strand, the complement: LSS is on the minus strand). VCF-style: chr21-46213274-G-C. GRCh37 (hg19) VCF-style: chr21-47633188-G-C.
Other names: c.1077-222C>G (NM_001145436.2); c.1110-222C>G (NM_001001438.3); c.870-222C>G (NM_001145437.2).
Identifiers: ClinVar variation 1696898 (VCV001696898.2), dbSNP rs147096755, ClinGen allele CA321961342.

ClinVar aggregate classification (germline): Likely benign (1 of 4 stars; one submission).

Allele frequency attached by ClinVar (database versions not stated): 1000 Genomes Project 0.00799; gnomAD 0.00864 and 0.00933.

Submission:

GeneDx
Classification: Likely benign. Last evaluated: 2022-01-11. Review status: criteria provided, single submitter. Criteria: GeneDx Variant Classification Process June 2021. Collection method: clinical testing. Allele origin: germline. Affected: yes.
Comment: See Variant Classification Assertion Criteria.